The following is an entry in ClinVar:

NM_001370259.2(MEN1):c.628A>G (p.Thr210Ala)

Gene: MEN1 (menin 1; minus strand). Cytogenetic location: 11q13.1.
Variant type: single nucleotide variant.
Coding change: c.628A>G on transcript NM_001370259.2 (MANE Select); coding-DNA position 628, A replaced by G.
Protein change: p.Thr210Ala; replaces threonine 210 with alanine.
Molecular consequence: missense variant. On other transcripts: intron variant (2).
Genome position (GRCh38, 1-based): chr11:64,807,917, T>C on the plus strand (A>G on the coding strand, the complement: MEN1 is on the minus strand). VCF-style: chr11-64807917-T-C. GRCh37 (hg19) VCF-style: chr11-64575389-T-C.
Other names: c.643A>G, p.Thr215Ala (NM_000244.4, NM_001407145.1, NM_001407150.1 and 5 more transcripts); c.628A>G, p.Thr210Ala (NM_001370251.2, NM_001370260.2, NM_001370261.2 and 7 more transcripts); c.549+79A>G (NM_001370263.2, NM_001370262.2); short protein forms T210A, T215A.
Identifiers: ClinVar variation 1752641 (VCV001752641.2), dbSNP rs2136149745, ClinGen allele CA381185369.

ClinVar aggregate classification (germline): Uncertain significance (1 of 4 stars; one submission).

Conditions:
Hereditary cancer-predisposing syndrome. Also called: Hereditary Cancer Syndrome; Hereditary neoplastic syndrome; Neoplastic Syndromes, Hereditary; Tumor predisposition. Identifiers: Orphanet 140162, MedGen C0027672, MeSH D009386, MONDO:0015356.

Submission:

Ambry Genetics
Classification: Uncertain significance for Hereditary cancer-predisposing syndrome. Last evaluated: 2022-10-27. Review status: criteria provided, single submitter. Criteria: Ambry Variant Classification Scheme 2023. Collection method: clinical testing. Allele origin: germline.
Comment: The p.T210A variant (also known as c.628A>G), located in coding exon 2 of the MEN1 gene, results from an A to G substitution at nucleotide position 628. The threonine at codon 210 is replaced by alanine, an amino acid with similar properties. This amino acid position is conserved. In addition, the in silico prediction for this alteration is inconclusive. Since supporting evidence is limited at this time, the clinical significance of this alteration remains unclear.